The following is an entry in ClinVar:

NM_001129.5(AEBP1):c.1601G>A (p.Arg534His)

Gene: AEBP1 (AE binding protein 1; plus strand). Cytogenetic location: 7p13.
Variant type: single nucleotide variant.
Coding change: c.1601G>A on transcript NM_001129.5 (MANE Select); coding-DNA position 1601, G replaced by A.
Protein change: p.Arg534His; replaces arginine 534 with histidine.
Molecular consequence: missense variant.
Genome position (GRCh38, 1-based): chr7:44,111,028, G>A. VCF-style: chr7-44111028-G-A. GRCh37 (hg19) VCF-style: chr7-44150627-G-A.
Other names: short protein forms R534H.
Identifiers: ClinVar variation 3769743 (VCV003769743.3).
Genomic context (GRCh38, chr7:44,111,028, plus strand): 5'-CGGTGGTGGCTCGTTTCATCCGCATCTACCCACTCACCTGGAATGGCAGCCTGTGCATGC[G>A]CCTGGAGGTGCTGGGGTGCTCTGTGGCCCGTGAGTGTGGAGGGCTGGCAGGGGCTCTGAG-3'
Protein context (NP_001120.3, residues 524-544): PLTWNGSLCM[Arg534His]LEVLGCSVAP

ClinVar aggregate classification (germline): Uncertain significance. Review status: criteria provided, multiple submitters, no conflicts (2 of 4 stars). 2 submissions from 2 submitters: Uncertain significance (2). Last evaluated 2025-04-14.

gnomAD v4.1: 7 of 1,612,998 alleles (0.00043%); highest among the groups gnomAD compares: South Asian, 0.0011%; no homozygotes.

Submissions (2):

Women's Health and Genetics/Laboratory Corporation of America, LabCorp
Classification: Uncertain significance. Last evaluated: 2025-04-14. Review status: criteria provided, single submitter. Criteria: LabCorp Variant Classification Summary - May 2015. Collection method: clinical testing. Allele origin: germline.
Comment: Variant summary: AEBP1 c.1601G>A (p.Arg534His) results in a non-conservative amino acid change in the encoded protein sequence. Five of five in-silico tools predict a damaging effect of the variant on protein function. The variant allele was found at a frequency of 4e-06 in 249694 control chromosomes. The available data on variant occurrences in the general population are insufficient to allow any conclusion about variant significance. To our knowledge, no occurrence of c.1601G>A in individuals affected with Ehlers-Danlos syndrome, classic-like, 2 and no experimental evidence demonstrating its impact on protein function have been reported. ClinVar contains an entry for this variant (Variation ID: 3769743). Based on the evidence outlined above, the variant was classified as uncertain significance.

GeneDx
Classification: Uncertain significance. Last evaluated: 2024-09-13. Review status: criteria provided, single submitter. Criteria: GeneDx Variant Classification Process June 2021. Collection method: clinical testing. Allele origin: germline. Affected: yes.
Comment: Not observed at significant frequency in large population cohorts (gnomAD); In silico analysis supports that this missense variant has a deleterious effect on protein structure/function; Has not been previously published as pathogenic or benign to our knowledge